The following is an entry in ClinVar:

NM_001711.6(BGN):c.472C>T (p.Pro158Ser)

Gene: BGN (biglycan; plus strand). Cytogenetic location: Xq28.
Variant type: single nucleotide variant.
Coding change: c.472C>T on transcript NM_001711.6 (MANE Select); coding-DNA position 472, C replaced by T.
Protein change: p.Pro158Ser; replaces proline 158 with serine.
Molecular consequence: missense variant.
Genome position (GRCh38, 1-based): chrX:153,505,983, C>T. VCF-style: chrX-153505983-C-T. GRCh37 (hg19) VCF-style: chrX-152771441-C-T.
Other names: short protein forms P158S.
Identifiers: ClinVar variation 1742709 (VCV001742709.2), dbSNP rs781803267, ClinGen allele CA415069649.

ClinVar aggregate classification (germline): Uncertain significance (1 of 4 stars; one submission).

Conditions:
Cardiovascular phenotype. Identifiers: MedGen CN230736.

Submission:

Ambry Genetics
Classification: Uncertain significance for Cardiovascular phenotype. Last evaluated: 2022-07-29. Review status: criteria provided, single submitter. Criteria: Ambry Variant Classification Scheme 2023. Collection method: clinical testing. Allele origin: germline.
Comment: The p.P158S variant (also known as c.472C>T), located in coding exon 3 of the BGN gene, results from a C to T substitution at nucleotide position 472. The proline at codon 158 is replaced by serine, an amino acid with similar properties. This amino acid position is conserved. In addition, this alteration is predicted to be tolerated by in silico analysis. Since supporting evidence is limited at this time, the clinical significance of this alteration remains unclear.